The following is an entry in ClinVar:

NM_015178.3(RHOBTB2):c.1378C>A (p.Leu460Met)

Gene: RHOBTB2 (Rho related BTB domain containing 2; plus strand). Cytogenetic location: 8p21.3.
Variant type: single nucleotide variant.
Coding change: c.1378C>A on transcript NM_015178.3 (MANE Select); coding-DNA position 1378, C replaced by A.
Protein change: p.Leu460Met; replaces leucine 460 with methionine.
Molecular consequence: missense variant.
Genome position (GRCh38, 1-based): chr8:23,007,623, C>A. VCF-style: chr8-23007623-C-A. GRCh37 (hg19) VCF-style: chr8-22865136-C-A.
Other names: c.1444C>A, p.Leu482Met (NM_001160036.2); c.1399C>A, p.Leu467Met (NM_001160037.2); c.1378C>A, p.Leu460Met (NM_001374791.1); short protein forms L460M, L467M, L482M.
Identifiers: ClinVar variation 1382485 (VCV001382485.6), dbSNP rs2128805015, ClinGen allele CA370568788.

ClinVar aggregate classification (germline): Uncertain significance (1 of 4 stars; one submission).

Allele frequency attached by ClinVar (database versions not stated): gnomAD exomes below 0.00001.
gnomAD v4.1: 2 of 1,614,208 alleles (0.00012%); highest among the groups gnomAD compares: Non-Finnish European, 0.00017%; no homozygotes.

Submission:

Labcorp Genetics (formerly Invitae), Labcorp
Classification: Uncertain significance. Last evaluated: 2021-03-29. Review status: criteria provided, single submitter. Criteria: Invitae Variant Classification Sherloc (09022015). Collection method: clinical testing. Allele origin: germline.
Comment: This variant has not been reported in the literature in individuals with RHOBTB2-related conditions. In summary, the available evidence is currently insufficient to determine the role of this variant in disease. Therefore, it has been classified as a Variant of Uncertain Significance. Algorithms developed to predict the effect of missense changes on protein structure and function are either unavailable or do not agree on the potential impact of this missense change (SIFT: "Deleterious"; PolyPhen-2: "Probably Damaging"; Align-GVGD: "Class C0"). This variant is not present in population databases (ExAC no frequency). This sequence change replaces leucine with methionine at codon 482 of the RHOBTB2 protein (p.Leu482Met). The leucine residue is highly conserved and there is a small physicochemical difference between leucine and methionine.